The following is an entry in ClinVar:

NM_005560.6(LAMA5):c.10034G>T (p.Gly3345Val)

Gene: LAMA5 (laminin subunit alpha 5; minus strand). Cytogenetic location: 20q13.33.
Variant type: single nucleotide variant.
Coding change: c.10034G>T on transcript NM_005560.6 (MANE Select); coding-DNA position 10034, G replaced by T.
Protein change: p.Gly3345Val; replaces glycine 3345 with valine.
Molecular consequence: missense variant.
Genome position (GRCh38, 1-based): chr20:62,311,216, C>A on the plus strand (G>T on the coding strand, the complement: LAMA5 is on the minus strand). VCF-style: chr20-62311216-C-A. GRCh37 (hg19) VCF-style: chr20-60886272-C-A.
Other names: short protein forms G3345V.
Identifiers: ClinVar variation 2054790 (VCV002054790.23), dbSNP rs112963711, ClinGen allele CA9939958.

ClinVar aggregate classification (germline): Uncertain significance. Review status: criteria provided, multiple submitters, no conflicts (2 of 4 stars). 2 submissions from 2 submitters: Uncertain significance (2). Last evaluated 2025-11-01.

Allele frequency attached by ClinVar (database versions not stated): ESP Exome Variant Server 0.00077.
gnomAD v4.1: 1,228 of 1,610,300 alleles (0.076%); highest among the groups gnomAD compares: South Asian, 0.099%; 1 homozygote.

Submissions (2):

CeGaT Center for Human Genetics Tuebingen
Classification: Uncertain significance. Last evaluated: 2025-11-01. Review status: criteria provided, single submitter. Criteria: CeGaT Center For Human Genetics Tuebingen Variant Classification Criteria Version 2. Collection method: clinical testing. Allele origin: germline. Affected: yes. Observed: 2 variant alleles.

Labcorp Genetics (formerly Invitae), Labcorp
Classification: Uncertain significance. Last evaluated: 2022-09-24. Review status: criteria provided, single submitter. Criteria: Invitae Variant Classification Sherloc (09022015). Collection method: clinical testing. Allele origin: germline.
Comment: This sequence change replaces glycine, which is neutral and non-polar, with valine, which is neutral and non-polar, at codon 3345 of the LAMA5 protein (p.Gly3345Val). This variant is present in population databases (rs112963711, gnomAD 0.1%), and has an allele count higher than expected for a pathogenic variant. This variant has not been reported in the literature in individuals affected with LAMA5-related conditions. Advanced modeling of protein sequence and biophysical properties (such as structural, functional, and spatial information, amino acid conservation, physicochemical variation, residue mobility, and thermodynamic stability) has been performed at Invitae for this missense variant, however the output from this modeling did not meet the statistical confidence thresholds required to predict the impact of this variant on LAMA5 protein function. In summary, the available evidence is currently insufficient to determine the role of this variant in disease. Therefore, it has been classified as a Variant of Uncertain Significance.